The following is an entry in ClinVar:

NM_017791.3(FLVCR2):c.1386_1387del (p.Asp462fs)

Gene: FLVCR2 (FLVCR choline and putative heme transporter 2; plus strand). Cytogenetic location: 14q24.3.
Variant type: Deletion.
Coding change: c.1386_1387del on transcript NM_017791.3 (MANE Select); coding-DNA positions 1386 to 1387, 2 bases deleted (CA; older notation c.1386_1387delCA).
Protein change: p.Asp462fs; shifts the reading frame from aspartic acid 462.
Molecular consequence: frameshift variant.
Genome position (GRCh38, 1-based): chr14:75,641,226-75,641,227, CA deleted; deleting any 2 consecutive bases within chr14:75,641,225-75,641,227 gives the same sequence; the c. name uses the placement nearest the transcript's 3' end. VCF-style (leftmost placement, unchanged base first): chr14-75641224-GAC-G. GRCh37 (hg19) VCF-style: chr14-76107567-GAC-G.
Other names: c.771_772del, p.Asp257fs (NM_001195283.2); c.1386_1387del (NM_017791.2); short protein forms D257fs, D462fs.
Identifiers: ClinVar variation 2885184 (VCV002885184.5), dbSNP rs770399681, ClinGen allele CA7278546.

ClinVar aggregate classification (germline): Conflicting classifications of pathogenicity. Review status: criteria provided, conflicting classifications (1 of 4 stars). 3 submissions from 3 submitters: Pathogenic (1); Likely pathogenic (1); Uncertain significance (1). Last evaluated 2024-07-22.

Submissions (3):

Genetic Services Laboratory, University of Chicago
Classification: Likely pathogenic. Last evaluated: 2024-07-22. Review status: criteria provided, single submitter. Criteria: ACMG Guidelines, 2015. Collection method: clinical testing. Allele origin: germline. Affected: yes.
Comment: DNA sequence analysis of the FLVCR2 gene demonstrated a two base pair deletion in exon 8, c.1386_1387del. This sequence change results in an amino acid frameshift and creates a premature stop codon 25 amino acids downstream of the change, p.Asp462Glufs*26. This sequence change is predicted to result in an abnormal transcript, which may be degraded, or may lead to the production of a truncated FLVCR2 protein with potentially abnormal function. This sequence change has been described in the gnomAD database with a frequency of 0.0093% in the African/African American subpopulation (dbSNP rs770399681). While this sequence change has not previously been described in the literature, other loss-of-function variants in FLVCR2 have been reported to be pathogenic (PMID: 20206334, 20690116). Collectively, this evidence indicates that this sequence change is likely pathogenic, however functional studies have not been performed to prove this conclusively.

Labcorp Genetics (formerly Invitae), Labcorp
Classification: Pathogenic. Last evaluated: 2023-02-14. Review status: criteria provided, single submitter. Criteria: Invitae Variant Classification Sherloc (09022015). Collection method: clinical testing. Allele origin: germline.
Comment: For these reasons, this variant has been classified as Pathogenic. This variant has not been reported in the literature in individuals affected with FLVCR2-related conditions. This variant is present in population databases (rs770399681, gnomAD 0.01%). This sequence change creates a premature translational stop signal (p.Asp462Glufs*26) in the FLVCR2 gene. It is expected to result in an absent or disrupted protein product. Loss-of-function variants in FLVCR2 are known to be pathogenic (PMID: 20206334, 20690116).

GeneDx
Classification: Uncertain significance. Last evaluated: 2020-05-06. Review status: criteria provided, single submitter. Criteria: GeneDx Variant Classification Process June 2021. Collection method: clinical testing. Allele origin: germline. Affected: yes.
Comment: Frameshift variant predicted to result in protein truncation as the last 65 amino acids are replaced with 25 different amino acids, and other loss-of-function variants have been reported downstream in the Human Gene Mutation Database (HGMD; other references); Has not been previously published as pathogenic or benign to our knowledge

Literature cited by the submitters: PubMed 20206334 (cited by Labcorp Genetics (formerly Invitae), Labcorp); PubMed 20690116 (cited by Labcorp Genetics (formerly Invitae), Labcorp).